The following is an entry in ClinVar:

NM_020778.5(ALPK3):c.3453C>T (p.Leu1151=)

Gene: ALPK3 (alpha kinase 3; plus strand). Cytogenetic location: 15q25.3.
Variant type: single nucleotide variant.
Coding change: c.3453C>T on transcript NM_020778.5 (MANE Select); coding-DNA position 3453, C replaced by T.
Protein change: p.Leu1151=; no amino-acid change (leucine 1151 retained).
Molecular consequence: synonymous variant.
Genome position (GRCh38, 1-based): chr15:84,858,191, C>T. VCF-style: chr15-84858191-C-T. GRCh37 (hg19) VCF-style: chr15-85401422-C-T.
Other names: c.4059C>T (NM_020778.4).
Identifiers: ClinVar variation 1917714 (VCV001917714.6), dbSNP rs1002162937, ClinGen allele CA273625484.

ClinVar aggregate classification (germline): Likely benign. Review status: criteria provided, multiple submitters, no conflicts (2 of 4 stars). 2 submissions from 2 submitters: Likely benign (2). Last evaluated 2025-10-08.

Conditions:
ALPK3-related disorder. Also called: ALPK3-related condition.

Allele frequency attached by ClinVar (database versions not stated): gnomAD exomes below 0.00001; gnomAD 0.00001; TOPMed 0.00002.

Submissions (2):

Labcorp Genetics (formerly Invitae), Labcorp
Classification: Likely benign. Last evaluated: 2025-10-08. Review status: criteria provided, single submitter. Criteria: Invitae Variant Classification Sherloc (09022015). Collection method: clinical testing. Allele origin: germline.

PreventionGenetics, part of Exact Sciences
Classification: Likely benign for ALPK3-related condition. Last evaluated: 2025-09-09. Review status: criteria provided, single submitter. Criteria: ACMG Guidelines, 2015. Collection method: clinical testing. Allele origin: germline.
Comment: This variant is classified as likely benign based on ACMG/AMP sequence variant interpretation guidelines (Richards et al. 2015 PMID: 25741868, with internal and published modifications).